The following is an entry in ClinVar:

ClinVar aggregate classification (germline): Uncertain significance (1 of 4 stars; one submission).

Conditions:
Cutis laxa, autosomal dominant 3 (ADCL3). Identifiers: Orphanet 90348, MedGen C4225268, MONDO:0014706, OMIM 616603.
Autosomal dominant spastic paraplegia type 9. Identifiers: MedGen C1832669, MONDO:0015091.
de Barsy syndrome. Also called: Cutis laxa-corneal clouding-oligophrenia syndrome. Identifiers: Orphanet 2962, MedGen C0268354, MONDO:0017569.

Submission:

Labcorp Genetics (formerly Invitae), Labcorp
Classification: Uncertain significance for Autosomal dominant spastic paraplegia type 9; de Barsy syndrome; Cutis laxa, autosomal dominant 3. Last evaluated: 2024-11-11. Review status: criteria provided, single submitter. Criteria: Invitae Variant Classification Sherloc (09022015). Collection method: clinical testing. Allele origin: germline.
Comment: This sequence change replaces serine, which is neutral and polar, with glycine, which is neutral and non-polar, at codon 79 of the ALDH18A1 protein (p.Ser79Gly). This variant is not present in population databases (gnomAD no frequency). This variant has not been reported in the literature in individuals affected with ALDH18A1-related conditions. Invitae Evidence Modeling of protein sequence and biophysical properties (such as structural, functional, and spatial information, amino acid conservation, physicochemical variation, residue mobility, and thermodynamic stability) indicates that this missense variant is expected to disrupt ALDH18A1 protein function with a positive predictive value of 80%. In summary, the available evidence is currently insufficient to determine the role of this variant in disease. Therefore, it has been classified as a Variant of Uncertain Significance.

NM_002860.4(ALDH18A1):c.235A>G (p.Ser79Gly)

Gene: ALDH18A1 (aldehyde dehydrogenase 18 family member A1; minus strand). Cytogenetic location: 10q24.1.
Variant type: single nucleotide variant.
Coding change: c.235A>G on transcript NM_002860.4 (MANE Select); coding-DNA position 235, A replaced by G.
Protein change: p.Ser79Gly; replaces serine 79 with glycine.
Molecular consequence: missense variant. On other transcripts: intron variant (4).
Genome position (GRCh38, 1-based): chr10:95,643,060, T>C on the plus strand (A>G on the coding strand, the complement: ALDH18A1 is on the minus strand). VCF-style: chr10-95643060-T-C. GRCh37 (hg19) VCF-style: chr10-97402817-T-C.
Other names: c.235A>G, p.Ser79Gly (NM_001017423.2, NM_001323413.2, NM_001323414.2 and 2 more transcripts); c.-78-9411A>G (NM_001323419.2); c.-30-5624A>G (NM_001323412.2, NM_001323418.2, NM_001323416.2); short protein forms S79G.
Identifiers: ClinVar variation 3762899 (VCV003762899.2).